The following is an entry in ClinVar:

ClinVar aggregate classification (germline): Likely pathogenic (1 of 4 stars; one submission).

Submission:

GeneDx
Classification: Likely pathogenic. Last evaluated: 2025-02-18. Review status: criteria provided, single submitter. Criteria: GeneDx Variant Classification Process June 2021. Collection method: clinical testing. Allele origin: germline. Affected: yes.
Comment: Has not been previously published as pathogenic or benign to our knowledge; In-frame deletion of 1 amino acid in a non-repeat region; Not observed at significant frequency in large population cohorts (gnomAD); In silico analysis supports a deleterious effect on protein structure/function

NM_173495.3(PTCHD1):c.2132TCT[2] (p.Phe713del)

Gene: PTCHD1 (patched domain containing 1; plus strand). Cytogenetic location: Xp22.11.
Variant type: Microsatellite.
Coding change: c.2132TCT[2] on transcript NM_173495.3 (MANE Select); two copies in a row of the 3-base unit TCT starting at c.2132; the reference has three copies in a row; one copy, 3 bases deleted; also written c.2138_2140del.
Protein change: p.Phe713del; deletes phenylalanine 713.
Molecular consequence: inframe indel (on NM_173495.2).
Genome position (GRCh38, 1-based): chrX:23,393,656-23,393,658, TCT deleted; deleting any 3 consecutive bases within chrX:23,393,650-23,393,658 gives the same sequence; the position shown is the placement nearest the transcript's 3' end. VCF-style (leftmost placement, unchanged base first): chrX-23393649-CTCT-C. GRCh37 (hg19) VCF-style: chrX-23411766-CTCT-C.
Other names: c.2132_2134TCT[2], p.Phe713del (NM_173495.2); c.2138_2140del (NM_173495.2); short protein forms F713del.
Identifiers: ClinVar variation 3372171 (VCV003372171.2).
Genomic context (GRCh38, chrX:23,393,649, plus strand): 5'-CGATATGCCTCCTCTCTGGGAGCCCCCCTGCACAACTCCTGCATCAGTGCTTTGTTCCTG[CTCT>C]TCTTCTCGGCATTCCTGGTGGCAGATTCACTGATTAACGTCTGGATCACTCTCACAGTTG-3'